The following is an entry in ClinVar:

ClinVar aggregate classification (germline): Uncertain significance (1 of 4 stars; one submission).

gnomAD v4.1: 10 of 1,613,998 alleles (0.00062%); highest among the groups gnomAD compares: Non-Finnish European, 0.00085%; no homozygotes.

Submission:

Labcorp Genetics (formerly Invitae), Labcorp
Classification: Uncertain significance. Last evaluated: 2025-05-28. Review status: criteria provided, single submitter. Criteria: Invitae Variant Classification Sherloc (09022015). Collection method: clinical testing. Allele origin: germline.
Comment: This sequence change replaces proline, which is neutral and non-polar, with leucine, which is neutral and non-polar, at codon 197 of the PCK2 protein (p.Pro197Leu). This variant is present in population databases (no rsID available, gnomAD 0.002%). This variant has not been reported in the literature in individuals affected with PCK2-related conditions. Invitae Evidence Modeling of protein sequence and biophysical properties (such as structural, functional, and spatial information, amino acid conservation, physicochemical variation, residue mobility, and thermodynamic stability) indicates that this missense variant is not expected to disrupt PCK2 protein function with a negative predictive value of 80%. In summary, the available evidence is currently insufficient to determine the role of this variant in disease. Therefore, it has been classified as a Variant of Uncertain Significance.

NM_004563.4(PCK2):c.590C>T (p.Pro197Leu)

Genes: NRL (neural retina leucine zipper; minus strand), PCK2 (phosphoenolpyruvate carboxykinase 2, mitochondrial; plus strand). Cytogenetic location: 14q11.2.
Variant type: single nucleotide variant.
Coding change: c.590C>T on transcript NM_004563.4 (MANE Select); coding-DNA position 590, C replaced by T.
Protein change: p.Pro197Leu; replaces proline 197 with leucine.
Molecular consequence: missense variant. On other transcripts: intron variant (3).
Genome position (GRCh38, 1-based): chr14:24,098,604, C>T. VCF-style: chr14-24098604-C-T. GRCh37 (hg19) VCF-style: chr14-24567813-C-T.
Other names: c.590C>T, p.Pro197Leu (NM_001018073.3); c.188C>T, p.Pro63Leu (NM_001291556.2, NM_001308054.2); c.-27-15729G>A (NM_001354768.3, NM_001354770.2); c.-253-13859G>A (NM_006177.5); short protein forms P197L, P63L.
Identifiers: ClinVar variation 4804722 (VCV004804722.1).